The following is an entry in ClinVar:

NM_000548.5(TSC2):c.2097+16_2097+20del

Gene: TSC2 (TSC complex subunit 2; plus strand). Cytogenetic location: 16p13.3.
Variant type: Deletion.
Coding change: c.2097+16_2097+20del on transcript NM_000548.5 (MANE Select); bases 16 to 20 of the intron after coding-DNA position 2097, 5 bases deleted (CAGGG; older notation c.2097+16_2097+20delCAGGG).
Molecular consequence: intron variant.
Genome position (GRCh38, 1-based): chr16:2,071,950-2,071,954, CAGGG deleted; deleting any 5 consecutive bases within chr16:2,071,947-2,071,954 gives the same sequence; the c. name uses the placement nearest the transcript's 3' end. VCF-style (leftmost placement, unchanged base first): chr16-2071946-CGGGCA-C. GRCh37 (hg19) VCF-style: chr16-2121947-CGGGCA-C.
Other names: c.2097+16_2097+20delCAGGG (NM_000548.3); c.2097+16_2097+20del (NM_001114382.3, NM_021055.3, NM_001370405.1 and 3 more transcripts); c.1986+16_1986+20del (NM_001318827.2); c.1497+16_1497+20del (NM_001318831.2); c.1950+16_1950+20del (NM_001318829.2); c.2130+16_2130+20del (NM_001318832.2).
Identifiers: ClinVar variation 420278 (VCV000420278.1), dbSNP rs1064794392, ClinGen allele CA16620091.

ClinVar aggregate classification (germline): Likely benign (1 of 4 stars; one submission).

Submission:

GeneDx
Classification: Likely benign. Last evaluated: 2015-12-15. Review status: criteria provided, single submitter. Criteria: GeneDx Variant Classification (06012015). Collection method: clinical testing. Allele origin: germline. Affected: yes.
Comment: This variant is considered likely benign or benign based on one or more of the following criteria: it is a conservative change, it occurs at a poorly conserved position in the protein, it is predicted to be benign by multiple in silico algorithms, and/or has population frequency not consistent with disease.